The following is an entry in ClinVar:

ClinVar aggregate classification (germline): Uncertain significance (1 of 4 stars; one submission).

Submission:

GeneDx
Classification: Uncertain significance. Last evaluated: 2024-01-29. Review status: criteria provided, single submitter. Criteria: GeneDx Variant Classification Process June 2021. Collection method: clinical testing. Allele origin: germline. Affected: yes.
Comment: Not observed at significant frequency in large population cohorts (gnomAD); In silico analysis supports that this missense variant has a deleterious effect on protein structure/function; Has not been previously published as pathogenic or benign to our knowledge

NM_014633.5(CTR9):c.2777A>T (p.Asp926Val)

Gene: CTR9 (CTR9 homolog, Paf1/RNA polymerase II complex component; plus strand). Cytogenetic location: 11p15.4.
Variant type: single nucleotide variant.
Coding change: c.2777A>T on transcript NM_014633.5 (MANE Select); coding-DNA position 2777, A replaced by T.
Protein change: p.Asp926Val; replaces aspartic acid 926 with valine.
Molecular consequence: missense variant.
Genome position (GRCh38, 1-based): chr11:10,774,061, A>T. VCF-style: chr11-10774061-A-T. GRCh37 (hg19) VCF-style: chr11-10795608-A-T.
Other names: c.2705A>T, p.Asp902Val (NM_001346279.2); short protein forms D902V, D926V.
Identifiers: ClinVar variation 3368525 (VCV003368525.1).